The following is an entry in ClinVar:

NM_206933.4(USH2A):c.3811G>T (p.Gly1271Ter)

Genes: USH2A (usherin; minus strand), USH2A-AS1 (USH2A antisense RNA 1; plus strand). Cytogenetic location: 1q41.
Variant type: single nucleotide variant.
Coding change: c.3811G>T on transcript NM_206933.4 (MANE Select); coding-DNA position 3811, G replaced by T.
Protein change: p.Gly1271Ter; replaces glycine 1271 with a stop codon.
Molecular consequence: nonsense.
Genome position (GRCh38, 1-based): chr1:216,199,627, C>A on the plus strand (G>T on the coding strand, the complement: USH2A is on the minus strand). VCF-style: chr1-216199627-C-A. GRCh37 (hg19) VCF-style: chr1-216372969-C-A.
Other names: c.3811G>T, p.Gly1271Ter (NM_007123.6); short protein forms G1271*.
Identifiers: ClinVar variation 1725891 (VCV001725891.2), dbSNP rs2528045056, ClinGen allele CA344867633.

ClinVar aggregate classification (germline): Likely pathogenic (1 of 4 stars; one submission).

Conditions:
Usher syndrome type 2A. Also called: RETINAL DISEASE IN USHER SYNDROME TYPE IIA, MODIFIER OF; USHER SYNDROME, TYPE IIA. Identifiers: Orphanet 231178, Orphanet 886, MedGen C1848634, MONDO:0010169, OMIM 276901.

Submission:

Myriad Genetics, Inc.
Classification: Likely pathogenic for Usher syndrome type 2A. Last evaluated: 2022-04-06. Review status: criteria provided, single submitter. Criteria: Myriad Women's Health Autosomal Recessive and X-Linked Classification Criteria (2021). Collection method: clinical testing. Allele origin: unknown.
Comment: NM_206933.2(USH2A):c.3811G>T(G1271*) is expected to be pathogenic in the context of USH2A-related disorders. This variant is predicted to lead to an abnormal or absent protein product due to the creation of a premature termination codon in USH2A, a gene where loss-of-function variants are known to be pathogenic. Please note: this variant was assessed in the context of healthy population screening.